The following is an entry in ClinVar:

ClinVar aggregate classification (germline): Uncertain significance (1 of 4 stars; one submission).

Submission:

Labcorp Genetics (formerly Invitae), Labcorp
Classification: Uncertain significance. Last evaluated: 2024-12-17. Review status: criteria provided, single submitter. Criteria: Invitae Variant Classification Sherloc (09022015). Collection method: clinical testing. Allele origin: germline.
Comment: This sequence change affects codon 191 of the GAS1 mRNA. It is a 'silent' change, meaning that it does not change the encoded amino acid sequence of the GAS1 protein. This variant is not present in population databases (gnomAD no frequency). This variant has not been reported in the literature in individuals affected with GAS1-related conditions. In summary, the available evidence is currently insufficient to determine the role of this variant in disease. Therefore, it has been classified as a Variant of Uncertain Significance.

NM_002048.3(GAS1):c.573C>G (p.Gly191=)

Gene: GAS1 (growth arrest specific 1; minus strand). Cytogenetic location: 9q21.33.
Variant type: single nucleotide variant.
Coding change: c.573C>G on transcript NM_002048.3 (MANE Select); coding-DNA position 573, C replaced by G.
Protein change: p.Gly191=; no amino-acid change (glycine 191 retained).
Molecular consequence: synonymous variant.
Genome position (GRCh38, 1-based): chr9:86,946,207, G>C on the plus strand (C>G on the coding strand, the complement: GAS1 is on the minus strand). VCF-style: chr9-86946207-G-C. GRCh37 (hg19) VCF-style: chr9-89561122-G-C.
Identifiers: ClinVar variation 3617582 (VCV003617582.2).
Genomic context (GRCh38, chr9:86,946,207, plus strand): 5'-CAGCATGTCCTCAATGACGGTGCGGCATTCGTCCGTGCAGCGCAGCCCGTTGAAGACTTT[G>C]CCGCAGTAGGTCAGGTAGCGGCTCAGCGCCAGGTTGCAGCGGCTGTCGCGGTCGCAGCGC-3'
Protein context (NP_002039.2, residues 181-201): LALSRYLTYC[Gly191=]KVFNGLRCTD